The following is an entry in ClinVar:

NM_017739.4(POMGNT1):c.1110+1G>T

Genes: POMGNT1 (protein O-linked mannose N-acetylglucosaminyltransferase 1 (beta 1,2-); minus strand), TSPAN1 (tetraspanin 1; plus strand). Cytogenetic location: 1p34.1.
Variant type: single nucleotide variant.
Coding change: c.1110+1G>T on transcript NM_017739.4 (MANE Select); the canonical splice donor site of the intron after coding-DNA position 1110, G replaced by T.
Molecular consequence: splice donor variant.
Genome position (GRCh38, 1-based): chr1:46,193,304, C>A on the plus strand (G>T on the coding strand, the complement: POMGNT1 is on the minus strand). VCF-style: chr1-46193304-C-A. GRCh37 (hg19) VCF-style: chr1-46658976-C-A.
Other names: c.1110+1G>T (NM_001243766.2, NM_001438686.1, NM_001438688.1 and 3 more transcripts); c.1044+1G>T (NM_001290129.3, NM_001438691.1, NM_001438692.1); c.681+1G>T (NM_001290130.2).
Identifiers: ClinVar variation 2943187 (VCV002943187.3), dbSNP rs1657940058, ClinGen allele CA340179683.

ClinVar aggregate classification (germline): Likely pathogenic (1 of 4 stars; one submission).

Conditions:
Autosomal recessive limb-girdle muscular dystrophy type 2O. Also called: Limb-Girdle Muscular Dystrophy Type 3C; MUSCULAR DYSTROPHY-DYSTROGLYCANOPATHY (LIMB-GIRDLE), TYPE C, 3; MUSCULAR DYSTROPHY-DYSTROGLYCANOPATHY, LIMB-GIRDLE, POMGNT1-RELATED. Identifiers: Orphanet 206564, MedGen C3150417, MONDO:0013161, OMIM 613157.
Muscular dystrophy-dystroglycanopathy (congenital with impaired intellectual development), type B, 3. Also called: MUSCULAR DYSTROPHY, CONGENITAL, POMGNT1-RELATED; Muscular dystrophy-dystroglycanopathy (congenital with intellectual disability), type B3. Identifiers: MedGen C3150412, MONDO:0013155, OMIM 613151.

Submission:

Labcorp Genetics (formerly Invitae), Labcorp
Classification: Likely pathogenic for Autosomal recessive limb-girdle muscular dystrophy type 2O; Muscular dystrophy-dystroglycanopathy (congenital with impaired intellectual development), type B, 3. Last evaluated: 2023-01-22. Review status: criteria provided, single submitter. Criteria: Invitae Variant Classification Sherloc (09022015). Collection method: clinical testing. Allele origin: germline.
Comment: Algorithms developed to predict the effect of sequence changes on RNA splicing suggest that this variant may disrupt the consensus splice site. In summary, the currently available evidence indicates that the variant is pathogenic, but additional data are needed to prove that conclusively. Therefore, this variant has been classified as Likely Pathogenic. This variant has not been reported in the literature in individuals affected with POMGNT1-related conditions. This variant is not present in population databases (gnomAD no frequency). This sequence change affects a donor splice site in intron 12 of the POMGNT1 gene. It is expected to disrupt RNA splicing. Variants that disrupt the donor or acceptor splice site typically lead to a loss of protein function (PMID: 16199547), and loss-of-function variants in POMGNT1 are known to be pathogenic (PMID: 19299310, 20816175, 21447391, 26908613, 27391550).

Literature cited by the submitters: PubMed 16199547; PubMed 19299310; PubMed 20816175; PubMed 21447391; PubMed 26908613; PubMed 27391550.